The following is an entry in ClinVar:

NM_025114.4(CEP290):c.5507T>C (p.Ile1836Thr)

Gene: CEP290 (centrosomal protein 290; minus strand). Cytogenetic location: 12q21.32.
Variant type: single nucleotide variant.
Coding change: c.5507T>C on transcript NM_025114.4 (MANE Select); coding-DNA position 5507, T replaced by C.
Protein change: p.Ile1836Thr; replaces isoleucine 1836 with threonine.
Molecular consequence: missense variant.
Genome position (GRCh38, 1-based): chr12:88,077,776, A>G on the plus strand (T>C on the coding strand, the complement: CEP290 is on the minus strand). VCF-style: chr12-88077776-A-G. GRCh37 (hg19) VCF-style: chr12-88471553-A-G.
Other names: short protein forms I1836T.
Identifiers: ClinVar variation 2083853 (VCV002083853.2), dbSNP rs1211065759, ClinGen allele CA385988338.

ClinVar aggregate classification (germline): Uncertain significance. Review status: criteria provided, multiple submitters, no conflicts (2 of 4 stars). 2 submissions from 2 submitters: Uncertain significance (2). Last evaluated 2022-06-13.

Conditions:
Inborn genetic diseases. Identifiers: MedGen C0950123, MeSH D030342.
Joubert syndrome. Also called: CEREBELLOPARENCHYMAL DISORDER IV; JOUBERT-BOLTSHAUSER SYNDROME; Familial aplasia of the vermis. Identifiers: Orphanet 475, MedGen C5979921, MONDO:0018772.
Nephronophthisis. Also called: Juvenile Nephronophthisis. Identifiers: Orphanet 655, MedGen C0687120, MONDO:0019005, HP:0000090.
Meckel-Gruber syndrome. Also called: DYSENCEPHALIA SPLANCHNOCYSTICA; GRUBER SYNDROME; Dysencephalia splachnocystica. Identifiers: Orphanet 564, MedGen C0265215, MONDO:0018921.

Allele frequency attached by ClinVar (database versions not stated): gnomAD exomes below 0.00001; TOPMed 0.00001.
gnomAD v4.1: 2 of 1,579,520 alleles (0.00013%); no homozygotes.

Submissions (2):

Ambry Genetics
Classification: Uncertain significance for Inborn genetic diseases. Last evaluated: 2022-06-13. Review status: criteria provided, single submitter. Criteria: Ambry Variant Classification Scheme 2023. Collection method: clinical testing. Allele origin: germline.

Labcorp Genetics (formerly Invitae), Labcorp
Classification: Uncertain significance for Joubert syndrome; Meckel-Gruber syndrome; Nephronophthisis. Last evaluated: 2022-05-15. Review status: criteria provided, single submitter. Criteria: Invitae Variant Classification Sherloc (09022015). Collection method: clinical testing. Allele origin: germline.
Comment: This sequence change replaces isoleucine, which is neutral and non-polar, with threonine, which is neutral and polar, at codon 1836 of the CEP290 protein (p.Ile1836Thr). This variant is not present in population databases (gnomAD no frequency). This variant has not been reported in the literature in individuals affected with CEP290-related conditions. Algorithms developed to predict the effect of missense changes on protein structure and function (SIFT, PolyPhen-2, Align-GVGD) all suggest that this variant is likely to be tolerated. In summary, the available evidence is currently insufficient to determine the role of this variant in disease. Therefore, it has been classified as a Variant of Uncertain Significance.